The following is an entry in ClinVar:

ClinVar aggregate classification (germline): Uncertain significance (1 of 4 stars; one submission).

Allele frequency attached by ClinVar (database versions not stated): TOPMed below 0.00001.

Submission:

Labcorp Genetics (formerly Invitae), Labcorp
Classification: Uncertain significance. Last evaluated: 2022-07-05. Review status: criteria provided, single submitter. Criteria: Invitae Variant Classification Sherloc (09022015). Collection method: clinical testing. Allele origin: germline.
Comment: In summary, the available evidence is currently insufficient to determine the role of this variant in disease. Therefore, it has been classified as a Variant of Uncertain Significance. Algorithms developed to predict the effect of missense changes on protein structure and function are either unavailable or do not agree on the potential impact of this missense change (SIFT: "Deleterious"; PolyPhen-2: "Probably Damaging"; Align-GVGD: "Class C0"). ClinVar contains an entry for this variant (Variation ID: 1472181). This variant has not been reported in the literature in individuals affected with RIMS1-related conditions. This variant is not present in population databases (gnomAD no frequency). This sequence change replaces serine, which is neutral and polar, with proline, which is neutral and non-polar, at codon 1066 of the RIMS1 protein (p.Ser1066Pro).

NM_014989.7(RIMS1):c.3196T>C (p.Ser1066Pro)

Gene: RIMS1 (regulating synaptic membrane exocytosis 1; plus strand). Cytogenetic location: 6q13.
Variant type: single nucleotide variant.
Coding change: c.3196T>C on transcript NM_014989.7 (MANE Select); coding-DNA position 3196, T replaced by C.
Protein change: p.Ser1066Pro; replaces serine 1066 with proline.
Molecular consequence: missense variant. On other transcripts: intron variant (62).
Genome position (GRCh38, 1-based): chr6:72,265,391, T>C. VCF-style: chr6-72265391-T-C. GRCh37 (hg19) VCF-style: chr6-72975094-T-C.
Other names: c.1615T>C, p.Ser539Pro (NM_001350436.2); c.1470-569T>C (NM_001350428.2, NM_001350459.2, NM_001350424.2 and 1 more transcripts); c.1467-569T>C (NM_001350437.2, NM_001350430.2, NM_001350421.2 and 1 more transcripts); c.1616+339T>C (NM_001350458.2); c.1539-569T>C (NM_001350433.2, NM_001350446.2, NM_001350442.2 and 8 more transcripts); c.1538+4624T>C (NM_001350431.2); c.1476-569T>C (NM_001350457.2); c.1475+6280T>C (NM_001350460.2, NM_001350426.2, NM_001350429.2 and 1 more transcripts); and 14 more; short protein forms S1066P, S539P.
Identifiers: ClinVar variation 1472181 (VCV001472181.8), dbSNP rs2080031740, ClinGen allele CA364685559.